The following is an entry in ClinVar:

ClinVar aggregate classification (germline): Benign (1 of 4 stars; one submission).

Conditions:
Hereditary diffuse gastric adenocarcinoma (HDGC). Also called: DIFFUSE GASTRIC AND LOBULAR BREAST CANCER SYNDROME. Identifiers: Orphanet 26106, MedGen C1708349, MONDO:0007648, OMIM 137215.

Submission:

Myriad Genetics, Inc.
Classification: Benign for Hereditary diffuse gastric adenocarcinoma. Last evaluated: 2024-10-14. Review status: criteria provided, single submitter. Criteria: Myriad Autosomal Dominant, Autosomal Recessive and X-Linked Classification Criteria (2023). Collection method: clinical testing. Allele origin: unknown.
Comment: This variant is considered benign. This variant is a silent/synonymous amino acid change and it is not expected to impact splicing.

NM_001903.5(CTNNA1):c.1887G>C (p.Val629=)

Gene: CTNNA1 (catenin alpha 1; plus strand). Cytogenetic location: 5q31.2.
Variant type: single nucleotide variant.
Coding change: c.1887G>C on transcript NM_001903.5 (MANE Select); coding-DNA position 1887, G replaced by C.
Protein change: p.Val629=; no amino-acid change (valine 629 retained).
Molecular consequence: synonymous variant.
Genome position (GRCh38, 1-based): chr5:138,925,395, G>C. VCF-style: chr5-138925395-G-C. GRCh37 (hg19) VCF-style: chr5-138261084-G-C.
Other names: c.777G>C, p.Val259= (NM_001323987.1, NM_001323988.1, NM_001323989.1 and 17 more transcripts); c.438G>C, p.Val146= (NM_001324006.1, NM_001324009.1, NM_001324010.1 and 2 more transcripts); c.684G>C, p.Val228= (NM_001324011.1); c.1887G>C, p.Val629= (NM_001290307.3, NM_001323982.2, NM_001323983.1 and 2 more transcripts); c.1578G>C, p.Val526= (NM_001290309.3); c.1518G>C, p.Val506= (NM_001290310.3); c.1794G>C, p.Val598= (NM_001323986.2); c.534G>C, p.Val178= (NM_001324012.1, NM_001324013.1).
Identifiers: ClinVar variation 3773423 (VCV003773423.1).